The following is an entry in ClinVar:

ClinVar aggregate classification (germline): Uncertain significance. Review status: criteria provided, multiple submitters, no conflicts (2 of 4 stars). 2 submissions from 2 submitters: Uncertain significance (2). Last evaluated 2026-01-07.

Conditions:
Inborn genetic diseases. Identifiers: MedGen C0950123, MeSH D030342.

Allele frequency attached by ClinVar (database versions not stated): ESP Exome Variant Server 0.00008; TOPMed 0.00015; gnomAD exomes 0.00028.
gnomAD v4.1: 427 of 1,598,366 alleles (0.027%); highest among the groups gnomAD compares: Non-Finnish European, 0.034%; no homozygotes.

Submissions (2):

Labcorp Genetics (formerly Invitae), Labcorp
Classification: Uncertain significance. Last evaluated: 2026-01-07. Review status: criteria provided, single submitter. Criteria: Invitae Variant Classification Sherloc (09022015). Collection method: clinical testing. Allele origin: germline.
Comment: This sequence change replaces arginine, which is basic and polar, with glycine, which is neutral and non-polar, at codon 164 of the DVL1 protein (p.Arg164Gly). This variant is present in population databases (rs376205129, gnomAD 0.03%), and has an allele count higher than expected for a pathogenic variant. This variant has not been reported in the literature in individuals affected with DVL1-related conditions. ClinVar contains an entry for this variant (Variation ID: 1047365). Invitae Evidence Modeling of protein sequence and biophysical properties (such as structural, functional, and spatial information, amino acid conservation, physicochemical variation, residue mobility, and thermodynamic stability) indicates that this missense variant is not expected to disrupt DVL1 protein function with a negative predictive value of 80%. In summary, the available evidence is currently insufficient to determine the role of this variant in disease. Therefore, it has been classified as a Variant of Uncertain Significance.

Ambry Genetics
Classification: Uncertain significance for Inborn genetic diseases. Last evaluated: 2023-06-29. Review status: criteria provided, single submitter. Criteria: Ambry Variant Classification Scheme 2023. Collection method: clinical testing. Allele origin: germline.

NM_001330311.2(DVL1):c.490A>G (p.Arg164Gly)

Gene: DVL1 (dishevelled segment polarity protein 1; minus strand). Cytogenetic location: 1p36.33.
Variant type: single nucleotide variant.
Coding change: c.490A>G on transcript NM_001330311.2 (MANE Select); coding-DNA position 490, A replaced by G.
Protein change: p.Arg164Gly; replaces arginine 164 with glycine.
Molecular consequence: missense variant.
Genome position (GRCh38, 1-based): chr1:1,341,782, T>C on the plus strand (A>G on the coding strand, the complement: DVL1 is on the minus strand). VCF-style: chr1-1341782-T-C. GRCh37 (hg19) VCF-style: chr1-1277162-T-C.
Other names: c.490A>G (NM_004421.2); c.490A>G, p.Arg164Gly (NM_004421.3); short protein forms R164G.
Identifiers: ClinVar variation 1047365 (VCV001047365.10), dbSNP rs376205129, ClinGen allele CA520650.